The following is an entry in ClinVar:

NM_001128840.3(CACNA1D):c.1804A>T (p.Thr602Ser)

Gene: CACNA1D (calcium voltage-gated channel subunit alpha1 D; plus strand). Cytogenetic location: 3p21.1.
Variant type: single nucleotide variant.
Coding change: c.1804A>T on transcript NM_001128840.3 (MANE Select); coding-DNA position 1804, A replaced by T.
Protein change: p.Thr602Ser; replaces threonine 602 with serine.
Molecular consequence: missense variant.
Genome position (GRCh38, 1-based): chr3:53,723,571, A>T. VCF-style: chr3-53723571-A-T. GRCh37 (hg19) VCF-style: chr3-53757598-A-T.
Other names: c.1864A>T, p.Thr622Ser (NM_000720.4); c.1804A>T, p.Thr602Ser (NM_001128839.3); short protein forms T602S, T622S.
Identifiers: ClinVar variation 4745863 (VCV004745863.1).

ClinVar aggregate classification (germline): Uncertain significance (1 of 4 stars; one submission).

Submission:

Labcorp Genetics (formerly Invitae), Labcorp
Classification: Uncertain significance. Last evaluated: 2025-10-16. Review status: criteria provided, single submitter. Criteria: Invitae Variant Classification Sherloc (09022015). Collection method: clinical testing. Allele origin: germline.
Comment: This sequence change replaces threonine, which is neutral and polar, with serine, which is neutral and polar, at codon 622 of the CACNA1D protein (p.Thr622Ser). This variant is not present in population databases (gnomAD no frequency). This variant has not been reported in the literature in individuals affected with CACNA1D-related conditions. Invitae Evidence Modeling of protein sequence and biophysical properties (such as structural, functional, and spatial information, amino acid conservation, physicochemical variation, residue mobility, and thermodynamic stability) indicates that this missense variant is not expected to disrupt CACNA1D protein function with a negative predictive value of 80%. In summary, the available evidence is currently insufficient to determine the role of this variant in disease. Therefore, it has been classified as a Variant of Uncertain Significance.